The following is an entry in ClinVar:

ClinVar aggregate classification (germline): Uncertain significance (1 of 4 stars; one submission).

Allele frequency attached by ClinVar (database versions not stated): gnomAD exomes below 0.00001 and 0.00001; ExAC 0.00001.
gnomAD v4.1: 2 of 1,613,224 alleles (0.00012%); highest among the groups gnomAD compares: Non-Finnish European, 0.00017%; no homozygotes.

Submission:

Labcorp Genetics (formerly Invitae), Labcorp
Classification: Uncertain significance. Last evaluated: 2023-12-11. Review status: criteria provided, single submitter. Criteria: Invitae Variant Classification Sherloc (09022015). Collection method: clinical testing. Allele origin: germline.
Comment: This sequence change replaces phenylalanine, which is neutral and non-polar, with leucine, which is neutral and non-polar, at codon 2917 of the CDH23 protein (p.Phe2917Leu). This variant is present in population databases (rs748842602, gnomAD 0.0009%). This variant has not been reported in the literature in individuals affected with CDH23-related conditions. ClinVar contains an entry for this variant (Variation ID: 1434294). Advanced modeling of protein sequence and biophysical properties (such as structural, functional, and spatial information, amino acid conservation, physicochemical variation, residue mobility, and thermodynamic stability) performed at Invitae indicates that this missense variant is not expected to disrupt CDH23 protein function with a negative predictive value of 95%. In summary, the available evidence is currently insufficient to determine the role of this variant in disease. Therefore, it has been classified as a Variant of Uncertain Significance.

NM_022124.6(CDH23):c.8749T>C (p.Phe2917Leu)

Gene: CDH23 (cadherin related 23; plus strand). Cytogenetic location: 10q22.1.
Variant type: single nucleotide variant.
Coding change: c.8749T>C on transcript NM_022124.6 (MANE Select); coding-DNA position 8749, T replaced by C.
Protein change: p.Phe2917Leu; replaces phenylalanine 2917 with leucine.
Molecular consequence: missense variant.
Genome position (GRCh38, 1-based): chr10:71,809,846, T>C. VCF-style: chr10-71809846-T-C. GRCh37 (hg19) VCF-style: chr10-73569603-T-C.
Other names: c.2029T>C, p.Phe677Leu (NM_001171933.1, NM_001171934.1); short protein forms F677L, F2917L.
Identifiers: ClinVar variation 1434294 (VCV001434294.6), dbSNP rs748842602, ClinGen allele CA5546741.
Genomic context (GRCh38, chr10:71,809,846, plus strand): 5'-TCTGAGCCGTACCCCGCCTTTGGGCTTCCTGCAGGGAGCATGGACGGCATTCTGCGCACC[T>C]TCGACCTCTTCATGGCCTACAGCCCCGGCTACTTCGTGGTGGACATTGTGGCCCGAGACC-3'
Protein context (NP_071407.4, residues 2907-2927): MGSMDGILRT[Phe2917Leu]DLFMAYSPGY